The following is an entry in ClinVar:

NM_001723.7(DST):c.6117T>A (p.Val2039=)

Gene: DST (dystonin; minus strand). Cytogenetic location: 6p12.1.
Variant type: single nucleotide variant.
Coding change: c.6117T>A on transcript NM_001723.7 (MANE Plus Clinical); coding-DNA position 6117, T replaced by A.
Protein change: p.Val2039=; no amino-acid change (valine 2039 retained).
Molecular consequence: synonymous variant. On other transcripts: intron variant (10).
Genome position (GRCh38, 1-based): chr6:56,617,350, A>T on the plus strand (T>A on the coding strand, the complement: DST is on the minus strand). VCF-style: chr6-56617350-A-T. GRCh37 (hg19) VCF-style: chr6-56482148-A-T.
Other names: c.4930-2866T>A (NM_001374722.1, NM_001374736.1); c.4957-2866T>A (NM_001374734.1); c.4417-2866T>A (NM_001144770.2); c.4297-2866T>A (NM_001374730.1, NM_001386100.1, NM_183380.4 and 1 more transcripts); c.3319-2866T>A (NM_015548.5); c.4831-2866T>A (NM_001144769.5).
Identifiers: ClinVar variation 4872233 (VCV004872233.2).

ClinVar aggregate classification (germline): Likely benign (1 of 4 stars; one submission).

Submission:

CeGaT Center for Human Genetics Tuebingen
Classification: Likely benign. Last evaluated: 2026-04-01. Review status: criteria provided, single submitter. Criteria: CeGaT Center For Human Genetics Tuebingen Variant Classification Criteria Version 2. Collection method: clinical testing. Allele origin: germline. Affected: yes. Observed: 1 variant allele.
Comment: DST: PM2:Supporting, BP4, BP7